The following is an entry in ClinVar:

NM_007294.4(BRCA1):c.4862A>G (p.Asp1621Gly)

Gene: BRCA1 (BRCA1 DNA repair associated; minus strand). Cytogenetic location: 17q21.31.
Variant type: single nucleotide variant.
Coding change: c.4862A>G on transcript NM_007294.4 (MANE Select); coding-DNA position 4862, A replaced by G.
Protein change: p.Asp1621Gly; replaces aspartic acid 1621 with glycine.
Molecular consequence: missense variant. On other transcripts: non-coding transcript variant (1).
Genome position (GRCh38, 1-based): chr17:43,071,052, T>C on the plus strand (A>G on the coding strand, the complement: BRCA1 is on the minus strand). VCF-style: chr17-43071052-T-C. GRCh37 (hg19) VCF-style: chr17-41223069-T-C.
Other names: c.4862A>G, p.Asp1621Gly (NM_001407605.1, NM_001407652.1, NM_001407593.1 and 8 more transcripts); c.4859A>G, p.Asp1620Gly (NM_001407610.1, NM_001407611.1, NM_001407612.1 and 17 more transcripts); c.4856A>G, p.Asp1619Gly (NM_001407628.1, NM_001407629.1, NM_001407630.1 and 14 more transcripts); c.4781A>G, p.Asp1594Gly (NM_001407656.1, NM_001407657.1, NM_001407658.1); c.4805A>G, p.Asp1602Gly (NM_001407648.1); c.4802A>G, p.Asp1601Gly (NM_001407649.1); c.4784A>G, p.Asp1595Gly (NM_001407653.1, NM_001407654.1, NM_001407655.1); c.4649A>G, p.Asp1550Gly (NM_001407571.1, NM_001407894.1, NM_001407895.1 and 12 more transcripts); and 70 more; short protein forms D1621G, D1642G, D1574G, D517G, D1325G, D1452G, D1467G, D1493G.
Identifiers: ClinVar variation 1509910 (VCV001509910.8), dbSNP rs1555580777, ClinGen allele CA10591802.

ClinVar aggregate classification (germline): Uncertain significance. Review status: criteria provided, multiple submitters, no conflicts (2 of 4 stars). 2 submissions from 2 submitters: Uncertain significance (2). Last evaluated 2025-07-31.

Conditions:
Hereditary cancer-predisposing syndrome. Also called: Hereditary neoplastic syndrome; Neoplastic Syndromes, Hereditary; Tumor predisposition; Hereditary Cancer Syndrome. Identifiers: Orphanet 140162, MedGen C0027672, MeSH D009386, MONDO:0015356.
Hereditary breast ovarian cancer syndrome. Also called: BRCA1- and BRCA2-Associated Hereditary Breast and Ovarian Cancer; Hereditary breast and ovarian cancer; Hereditary breast and/or ovarian cancer syndrome; Hereditary breast and ovarian cancer syndrome (HBOC); Breast and ovarian cancer; Hereditary breast and ovarian cancer syndrome. Identifiers: Orphanet 145, MedGen C0677776, MeSH D061325, MONDO:0003582. Disease mechanism: loss of function.

Submissions (2):

Labcorp Genetics (formerly Invitae), Labcorp
Classification: Uncertain significance for Hereditary breast ovarian cancer syndrome. Last evaluated: 2025-07-31. Review status: criteria provided, single submitter. Criteria: Invitae Variant Classification Sherloc (09022015). Collection method: clinical testing. Allele origin: germline.
Comment: This sequence change replaces aspartic acid, which is acidic and polar, with glycine, which is neutral and non-polar, at codon 1621 of the BRCA1 protein (p.Asp1621Gly). This variant is not present in population databases (gnomAD no frequency). This variant has not been reported in the literature in individuals affected with BRCA1-related conditions. ClinVar contains an entry for this variant (Variation ID: 1509910). Invitae Evidence Modeling of protein sequence and biophysical properties (such as structural, functional, and spatial information, amino acid conservation, physicochemical variation, residue mobility, and thermodynamic stability) indicates that this missense variant is not expected to disrupt BRCA1 protein function with a negative predictive value of 95%. In summary, the available evidence is currently insufficient to determine the role of this variant in disease. Therefore, it has been classified as a Variant of Uncertain Significance.

Ambry Genetics
Classification: Uncertain significance for Hereditary cancer-predisposing syndrome. Last evaluated: 2024-05-24. Review status: criteria provided, single submitter. Criteria: Ambry Variant Classification Scheme 2023. Collection method: clinical testing. Allele origin: germline.
Comment: The p.D1621G variant (also known as c.4862A>G), located in coding exon 14 of the BRCA1 gene, results from an A to G substitution at nucleotide position 4862. The aspartic acid at codon 1621 is replaced by glycine, an amino acid with similar properties. This amino acid position is not well conserved in available vertebrate species. In addition, the in silico prediction for this alteration is inconclusive. Based on the available evidence, the clinical significance of this variant remains unclear.